The following is an entry in ClinVar:

NM_033380.3(COL4A5):c.439G>T (p.Gly147Ter)

Gene: COL4A5 (collagen type IV alpha 5 chain; plus strand). Cytogenetic location: Xq22.3.
Variant type: single nucleotide variant.
Coding change: c.439G>T on transcript NM_033380.3 (MANE Select); coding-DNA position 439, G replaced by T.
Protein change: p.Gly147Ter; replaces glycine 147 with a stop codon.
Molecular consequence: nonsense.
Genome position (GRCh38, 1-based): chrX:108,571,811, G>T. VCF-style: chrX-108571811-G-T. GRCh37 (hg19) VCF-style: chrX-107815041-G-T.
Other names: c.439G>T, p.Gly147Ter (NM_000495.5); short protein forms G147*.
Identifiers: ClinVar variation 983609 (VCV000983609.3), dbSNP rs2066069145, ClinGen allele CA413920328.

ClinVar aggregate classification (germline): Likely pathogenic (1 of 4 stars; one submission).

Conditions:
X-linked Alport syndrome (ATS1). Also called: NEPHROPATHY AND DEAFNESS, X-LINKED; COL4A5-Related Nephropathy. Identifiers: Orphanet 63, Orphanet 88917, MedGen C4746986, MONDO:0010520, OMIM 301050.

Submission:

Myriad Genetics, Inc.
Classification: Likely pathogenic for X-linked Alport syndrome. Last evaluated: 2020-01-17. Review status: criteria provided, single submitter. Criteria: Myriad Women's Health Autosomal Recessive and X-Linked Classification Criteria (2019). Collection method: clinical testing. Allele origin: unknown.
Comment: NM_000495.4(COL4A5):c.439G>T(G147*) is expected to be pathogenic in the context of X-linked Alport syndrome. This variant is predicted to lead to an abnormal or absent protein product due to the creation of a premature termination codon in COL4A5, a gene where loss-of-function variants are known to be pathogenic. Please note: this variant was assessed in the context of healthy population screening.